The following is an entry in ClinVar:

ClinVar aggregate classification (germline): Uncertain significance (1 of 4 stars; one submission).

Conditions:
Congenital myasthenic syndrome 12 (CMS12). Also called: Myasthenia, congenital, 12, with tubular aggregates; MYASTHENIC SYNDROME, CONGENITAL, WITH TUBULAR AGGREGATES 1. Identifiers: Orphanet 353327, Orphanet 590, MedGen C3552335, MONDO:0012518, OMIM 610542.

Submission:

Labcorp Genetics (formerly Invitae), Labcorp
Classification: Uncertain significance for Congenital myasthenic syndrome 12. Last evaluated: 2020-07-12. Review status: criteria provided, single submitter. Criteria: Invitae Variant Classification Sherloc (09022015). Collection method: clinical testing. Allele origin: germline.
Comment: This variant is an in-frame deletion of the genomic region encompassing exon(s) 3 of the GFPT1 gene. It preserves the integrity of the reading frame. This variant has not been reported in the literature in individuals with GFPT1-related conditions. In summary, the available evidence is currently insufficient to determine the role of this variant in disease. Therefore, it has been classified as a Variant of Uncertain Significance. Experimental studies and prediction algorithms are not available or were not evaluated, and the functional significance of this variant is currently unknown.

NC_000002.11:g.(?_69597123)_(69597250_?)del

Gene: GFPT1 (glutamine--fructose-6-phosphate transaminase 1; minus strand). Cytogenetic location: 2p13.3.
Variant type: Deletion.
Identifiers: ClinVar variation 999344 (VCV000999344.3).